The following is an entry in ClinVar:

ClinVar aggregate classification (germline): Uncertain significance. Review status: criteria provided, multiple submitters, no conflicts (2 of 4 stars). 2 submissions from 2 submitters: Uncertain significance (2). Last evaluated 2025-03-03.

Conditions:
Hereditary cancer-predisposing syndrome. Also called: Hereditary neoplastic syndrome; Neoplastic Syndromes, Hereditary; Tumor predisposition; Hereditary Cancer Syndrome. Identifiers: Orphanet 140162, MedGen C0027672, MeSH D009386, MONDO:0015356.

Submissions (2):

Color Diagnostics, LLC DBA Color Health
Classification: Uncertain significance for Hereditary cancer-predisposing syndrome. Last evaluated: 2025-03-03. Review status: criteria provided, single submitter. Criteria: ACMG Guidelines, 2015. Collection method: clinical testing. Allele origin: germline.
Comment: This missense variant replaces glutamine with histidine at codon 978 of the MSH6 protein. Computational prediction suggests that this variant may have deleterious impact on protein structure and function (internally defined REVEL score threshold >= 0.7, PMID: 27666373). To our knowledge, functional studies have not been reported for this variant. This variant has not been reported in individuals affected with MSH6-related disorders in the literature. This variant has not been identified in the general population by the Genome Aggregation Database (gnomAD). The available evidence is insufficient to determine the role of this variant in disease conclusively. Therefore, this variant is classified as a Variant of Uncertain Significance.

GeneDx
Classification: Uncertain significance. Last evaluated: 2020-11-30. Review status: criteria provided, single submitter. Criteria: GeneDx Variant Classification Process June 2021. Collection method: clinical testing. Allele origin: germline. Affected: yes.
Comment: Not observed in large population cohorts (Lek et al., 2016); In silico analysis supports that this missense variant has a deleterious effect on protein structure/function; Has not been previously published as pathogenic or benign to our knowledge

NM_000179.3(MSH6):c.2934G>T (p.Gln978His)

Gene: MSH6 (mutS homolog 6; plus strand). Cytogenetic location: 2p16.3.
Variant type: single nucleotide variant.
Coding change: c.2934G>T on transcript NM_000179.3 (MANE Select); coding-DNA position 2934, G replaced by T.
Protein change: p.Gln978His; replaces glutamine 978 with histidine.
Molecular consequence: missense variant.
Genome position (GRCh38, 1-based): chr2:47,800,917, G>T. VCF-style: chr2-47800917-G-T. GRCh37 (hg19) VCF-style: chr2-48028056-G-T.
Other names: c.2544G>T, p.Gln848His (NM_001281492.2); c.2028G>T, p.Gln676His (NM_001281493.2, NM_001281494.2); short protein forms Q676H, Q848H, Q978H.
Identifiers: ClinVar variation 1321071 (VCV001321071.3), dbSNP rs751780309, ClinGen allele CA346756208.
Genomic context (GRCh38, chr2:47,800,917, plus strand): 5'-GCGCAACAGAATTGGCTGTAGGACCATAGTCTATTGGGGGATTGGTAGGAACCGTTACCA[G>T]CTGGAAATTCCTGAGAATTTCACCACTCGCAATTTGCCAGAAGAATACGAGTTGAAATCT-3'
Protein context (NP_000170.1, residues 968-988): VYWGIGRNRY[Gln978His]LEIPENFTTR